The following is an entry in ClinVar:

NM_030973.4(MED25):c.544A>G (p.Ile182Val)

Gene: MED25 (mediator complex subunit 25; plus strand). Cytogenetic location: 19q13.33.
Variant type: single nucleotide variant.
Coding change: c.544A>G on transcript NM_030973.4 (MANE Select); coding-DNA position 544, A replaced by G.
Protein change: p.Ile182Val; replaces isoleucine 182 with valine.
Molecular consequence: missense variant.
Genome position (GRCh38, 1-based): chr19:49,829,804, A>G. VCF-style: chr19-49829804-A-G. GRCh37 (hg19) VCF-style: chr19-50333061-A-G.
Other names: c.544A>G, p.Ile182Val (NM_001378355.1); short protein forms I182V.
Identifiers: ClinVar variation 576913 (VCV000576913.8), dbSNP rs1568622523, ClinGen allele CA406912937.
Genomic context (GRCh38, chr19:49,829,804, plus strand): 5'-ATGGAGGGGGCCCGTCATGACTGCTCGGCCCCTCTCCTACAGCGGGGGATCCACTTCTCC[A>G]TTGTGTCTCCCCGGAAGCTGCCTGCGCTTCGGCTTCTGTTTGAGAAGGCAGCCCCCCCGG-3'
Protein context (NP_112235.2, residues 172-192): QIGERGIHFS[Ile182Val]VSPRKLPALR

ClinVar aggregate classification (germline): Uncertain significance (1 of 4 stars; one submission).

Conditions:
Charcot-Marie-Tooth disease type 2. Also called: Charcot-Marie-Tooth type 2. Identifiers: Orphanet 64746, MedGen C0270914, MONDO:0018993.

gnomAD v4.1: 3 of 1,599,926 alleles (0.00019%); highest among the groups gnomAD compares: Non-Finnish European, 0.00017%; no homozygotes.

Submission:

Labcorp Genetics (formerly Invitae), Labcorp
Classification: Uncertain significance for Charcot-Marie-Tooth disease type 2. Last evaluated: 2018-04-08. Review status: criteria provided, single submitter. Criteria: Invitae Variant Classification Sherloc (09022015). Collection method: clinical testing. Allele origin: germline.
Comment: This sequence change replaces isoleucine with valine at codon 182 of the MED25 protein (p.Ile182Val). The isoleucine residue is moderately conserved and there is a small physicochemical difference between isoleucine and valine. This variant is not present in population databases (ExAC no frequency). This variant has not been reported in the literature in individuals with MED25-related disease. Algorithms developed to predict the effect of missense changes on protein structure and function output the following: SIFT: "Tolerated"; PolyPhen-2: "Benign"; Align-GVGD: "Class C0". The valine amino acid residue is found in multiple mammalian species, suggesting that this missense change does not adversely affect protein function. These predictions have not been confirmed by published functional studies and their clinical significance is uncertain. In summary, the available evidence is currently insufficient to determine the role of this variant in disease. Therefore, it has been classified as a Variant of Uncertain Significance.